The following is an entry in ClinVar:

NM_152383.5(DIS3L2):c.634G>A (p.Asp212Asn)

Gene: DIS3L2 (DIS3 like 3'-5' exoribonuclease 2; plus strand). Cytogenetic location: 2q37.1.
Variant type: single nucleotide variant.
Coding change: c.634G>A on transcript NM_152383.5 (MANE Select); coding-DNA position 634, G replaced by A.
Protein change: p.Asp212Asn; replaces aspartic acid 212 with asparagine.
Molecular consequence: missense variant. On other transcripts: non-coding transcript variant (2).
Genome position (GRCh38, 1-based): chr2:232,130,651, G>A. VCF-style: chr2-232130651-G-A. GRCh37 (hg19) VCF-style: chr2-232995361-G-A.
Other names: c.634G>A, p.Asp212Asn (NM_001257281.2, NM_001257282.2); short protein forms D212N.
Identifiers: ClinVar variation 2104959 (VCV002104959.4), dbSNP rs1698189407, ClinGen allele CA351153149.

ClinVar aggregate classification (germline): Uncertain significance (1 of 4 stars; one submission).

Conditions:
Perlman syndrome (PRLMNS). Identifiers: Orphanet 2849, MedGen C0796113, MONDO:0009965, OMIM 267000.

Submission:

Labcorp Genetics (formerly Invitae), Labcorp
Classification: Uncertain significance for Perlman syndrome. Last evaluated: 2022-03-07. Review status: criteria provided, single submitter. Criteria: Invitae Variant Classification Sherloc (09022015). Collection method: clinical testing. Allele origin: germline.
Comment: This sequence change replaces aspartic acid, which is acidic and polar, with asparagine, which is neutral and polar, at codon 212 of the DIS3L2 protein (p.Asp212Asn). This variant is not present in population databases (gnomAD no frequency). This variant has not been reported in the literature in individuals affected with DIS3L2-related conditions. Algorithms developed to predict the effect of missense changes on protein structure and function (SIFT, PolyPhen-2, Align-GVGD) all suggest that this variant is likely to be tolerated. In summary, the available evidence is currently insufficient to determine the role of this variant in disease. Therefore, it has been classified as a Variant of Uncertain Significance.